The following is an entry in ClinVar:

ClinVar aggregate classification (germline): Uncertain significance. Review status: criteria provided, multiple submitters, no conflicts (2 of 4 stars). 4 submissions from 4 submitters: Uncertain significance (4). Last evaluated 2025-08-10.

Conditions:
Inborn genetic diseases. Identifiers: MedGen C0950123, MeSH D030342.
Ellis-van Creveld syndrome (EVC). Also called: EVC-Related Ellis-van Creveld Syndrome; EVC2-Related Ellis-van Creveld Syndrome; MESOECTODERMAL DYSPLASIA; Chondroectodermal dysplasia. Identifiers: Orphanet 289, MedGen C0013903, MONDO:0009162, OMIM 225500.
Curry-Hall syndrome (WAD). Also called: WEYERS ACRODENTAL DYSOSTOSIS. Identifiers: Orphanet 952, MedGen C0457013, MONDO:0008673, OMIM 193530.

Allele frequency attached by ClinVar (database versions not stated): gnomAD 0.00001; ExAC 0.00002; TOPMed 0.00002; 1000 Genomes Project 0.00020; 1000 Genomes Project 30x 0.00031.
gnomAD v4.1: 9 of 1,614,030 alleles (0.00056%); highest among the groups gnomAD compares: Admixed American, 0.0017%; no homozygotes.

Submissions (4):

Labcorp Genetics (formerly Invitae), Labcorp
Classification: Uncertain significance for Curry-Hall syndrome; Ellis-van Creveld syndrome. Last evaluated: 2025-08-10. Review status: criteria provided, single submitter. Criteria: Invitae Variant Classification Sherloc (09022015). Collection method: clinical testing. Allele origin: germline.
Comment: This sequence change replaces arginine, which is basic and polar, with tryptophan, which is neutral and slightly polar, at codon 752 of the EVC2 protein (p.Arg752Trp). This variant is present in population databases (rs532778814, gnomAD 0.007%). This variant has not been reported in the literature in individuals affected with EVC2-related conditions. ClinVar contains an entry for this variant (Variation ID: 290757). An algorithm developed to predict the effect of missense changes on protein structure and function outputs the following: PolyPhen-2: "Benign". The tryptophan amino acid residue is found in multiple mammalian species, which suggests that this missense change does not adversely affect protein function. In summary, the available evidence is currently insufficient to determine the role of this variant in disease. Therefore, it has been classified as a Variant of Uncertain Significance.

GeneDx
Classification: Uncertain significance. Last evaluated: 2024-07-29. Review status: criteria provided, single submitter. Criteria: GeneDx Variant Classification Process June 2021. Collection method: clinical testing. Allele origin: germline. Affected: yes.
Comment: In silico analysis supports that this missense variant has a deleterious effect on protein structure/function; Has not been previously published as pathogenic or benign to our knowledge

Ambry Genetics
Classification: Uncertain significance for Inborn genetic diseases. Last evaluated: 2022-08-31. Review status: criteria provided, single submitter. Criteria: Ambry Variant Classification Scheme 2023. Collection method: clinical testing. Allele origin: germline.

Eurofins Ntd Llc (ga)
Classification: Uncertain significance. Last evaluated: 2016-09-05. Review status: criteria provided, single submitter. Criteria: EGL Classification Definitions 2015. Collection method: clinical testing. Allele origin: germline. Observed: 1 variant allele, 1 heterozygote.

NM_147127.5(EVC2):c.2254C>T (p.Arg752Trp)

Gene: EVC2 (EvC ciliary complex subunit 2; minus strand). Cytogenetic location: 4p16.2.
Variant type: single nucleotide variant.
Coding change: c.2254C>T on transcript NM_147127.5 (MANE Select); coding-DNA position 2254, C replaced by T.
Protein change: p.Arg752Trp; replaces arginine 752 with tryptophan.
Molecular consequence: missense variant.
Genome position (GRCh38, 1-based): chr4:5,622,784, G>A on the plus strand (C>T on the coding strand, the complement: EVC2 is on the minus strand). VCF-style: chr4-5622784-G-A. GRCh37 (hg19) VCF-style: chr4-5624511-G-A.
Other names: c.2254C>T (NM_147127.4); c.2014C>T, p.Arg672Trp (NM_001166136.2); short protein forms R752W, R672W.
Identifiers: ClinVar variation 290757 (VCV000290757.10), dbSNP rs532778814, ClinGen allele CA2834767.
Genomic context (GRCh38, chr4:5,622,784, plus strand): 5'-AGAGCCAGGGCACCCCACGCTTGAGCAGCTCCTGGGTCATGGCTGAGTTCTGCAGGCGCC[G>A]CAGCTCGTCGGTGGCCTTTTCAAACAGCGAAAGGGTCAGGGTCCTGAGATCGTCCAGGGC-3'
Protein context (NP_667338.3, residues 742-762): SLFEKATDEL[Arg752Trp]RLQNSAMTQE